The following is an entry in ClinVar:

ClinVar aggregate classification (germline): Uncertain significance (1 of 4 stars; one submission).

Conditions:
Pontocerebellar hypoplasia, type 13. Identifiers: Orphanet 613267, MedGen C5231425, MONDO:0032831, OMIM 618606.

gnomAD v4.1: 2 of 1,611,232 alleles (0.00012%); highest among the groups gnomAD compares: Non-Finnish European, 0.00017%; no homozygotes.

Submission:

Pittsburgh Clinical Genomics Laboratory, University of Pittsburgh Medical Center
Classification: Uncertain significance for Pontocerebellar hypoplasia, type 13. Last evaluated: 2024-06-11. Review status: criteria provided, single submitter. Criteria: ACMG Guidelines, 2015. Collection method: clinical testing. Allele origin: germline. Inheritance: Autosomal recessive inheritance. Affected: yes.
Comment: This sequence variant is a single nucleotide substitution (G>C) at position 868 of the coding sequence of the VPS51 gene that results in a glutamic acid to glutamine amino acid change at residue 290 of the VPS51 subunit of GARP complex protein. This variant is absent from ClinVar and has not been observed in individuals affected by a VPS51-related disorder in the published literature, to our knowledge. This variant is present in 2 of 1611232 alleles (0.0001%) in the gnomAD v4.1.0 population dataset. Bioinformatic tools are inconclusive if this amino acid change will be damaging or tolerated, and the Glu290 residue at this position is moderately conserved across the vertebrate species examined. Studies examining the functional consequence of this variant have not been published, to our knowledge. At this time, there is insufficient evidence to determine if this variant is pathogenic or benign. Therefore, we consider this a variant of uncertain significance. ACMG Criteria: PM2

NM_013265.4(VPS51):c.868G>C (p.Glu290Gln)

Gene: VPS51 (VPS51 subunit of GARP complex; plus strand). Cytogenetic location: 11q13.1.
Variant type: single nucleotide variant.
Coding change: c.868G>C on transcript NM_013265.4 (MANE Select); coding-DNA position 868, G replaced by C.
Protein change: p.Glu290Gln; replaces glutamic acid 290 with glutamine.
Molecular consequence: missense variant. On other transcripts: non-coding transcript variant (1).
Genome position (GRCh38, 1-based): chr11:65,108,339, G>C. VCF-style: chr11-65108339-G-C. GRCh37 (hg19) VCF-style: chr11-64875811-G-C.
Other names: short protein forms E290Q.
Identifiers: ClinVar variation 3376439 (VCV003376439.1).